The following is an entry in ClinVar:

NM_006929.5(SKIC2):c.2864A>T (p.Asp955Val)

Gene: SKIC2 (SKI2 subunit of superkiller complex; plus strand). Cytogenetic location: 6p21.33.
Variant type: single nucleotide variant.
Coding change: c.2864A>T on transcript NM_006929.5 (MANE Select); coding-DNA position 2864, A replaced by T.
Protein change: p.Asp955Val; replaces aspartic acid 955 with valine.
Molecular consequence: missense variant.
Genome position (GRCh38, 1-based): chr6:31,968,333, A>T. VCF-style: chr6-31968333-A-T. GRCh37 (hg19) VCF-style: chr6-31936110-A-T.
Other names: short protein forms D955V.
Identifiers: ClinVar variation 3717531 (VCV003717531.2).

ClinVar aggregate classification (germline): Uncertain significance (1 of 4 stars; one submission).

Submission:

Labcorp Genetics (formerly Invitae), Labcorp
Classification: Uncertain significance. Last evaluated: 2024-10-02. Review status: criteria provided, single submitter. Criteria: Invitae Variant Classification Sherloc (09022015). Collection method: clinical testing. Allele origin: germline.
Comment: This sequence change replaces aspartic acid, which is acidic and polar, with valine, which is neutral and non-polar, at codon 955 of the SKIV2L protein (p.Asp955Val). This variant is not present in population databases (gnomAD no frequency). This variant has not been reported in the literature in individuals affected with SKIV2L-related conditions. An algorithm developed to predict the effect of missense changes on protein structure and function (PolyPhen-2) suggests that this variant is likely to be tolerated. Algorithms developed to predict the effect of sequence changes on RNA splicing suggest that this variant may create or strengthen a splice site. In summary, the available evidence is currently insufficient to determine the role of this variant in disease. Therefore, it has been classified as a Variant of Uncertain Significance.